The following is an entry in ClinVar:

NM_139027.6(ADAMTS13):c.3686G>A (p.Arg1229Gln)

Gene: ADAMTS13 (ADAM metallopeptidase with thrombospondin type 1 motif 13; plus strand). Cytogenetic location: 9q34.2.
Variant type: single nucleotide variant.
Coding change: c.3686G>A on transcript NM_139027.6 (MANE Select); coding-DNA position 3686, G replaced by A.
Protein change: p.Arg1229Gln; replaces arginine 1229 with glutamine.
Molecular consequence: missense variant. On other transcripts: non-coding transcript variant (1).
Genome position (GRCh38, 1-based): chr9:133,456,681, G>A. VCF-style: chr9-133456681-G-A. GRCh37 (hg19) VCF-style: chr9-136321803-G-A.
Other names: c.3854G>A, p.Arg1285Gln (NM_139025.5); c.3593G>A, p.Arg1198Gln (NM_139026.6); short protein forms R1198Q, R1229Q, R1285Q.
Identifiers: ClinVar variation 2414253 (VCV002414253.6), dbSNP rs781918148, ClinGen allele CA200945593.

ClinVar aggregate classification (germline): Uncertain significance (1 of 4 stars; one submission).

Allele frequency attached by ClinVar (database versions not stated): TOPMed 0.00001.
gnomAD v4.1: 4 of 1,588,402 alleles (0.00025%); highest among the groups gnomAD compares: East Asian, 0.0023%; no homozygotes.

Submission:

Labcorp Genetics (formerly Invitae), Labcorp
Classification: Uncertain significance. Last evaluated: 2022-08-16. Review status: criteria provided, single submitter. Criteria: Invitae Variant Classification Sherloc (09022015). Collection method: clinical testing. Allele origin: germline.
Comment: Algorithms developed to predict the effect of sequence changes on RNA splicing suggest that this variant may create or strengthen a splice site. Algorithms developed to predict the effect of missense changes on protein structure and function output the following: SIFT: "Tolerated"; PolyPhen-2: "Benign"; Align-GVGD: "Class C0". The glutamine amino acid residue is found in multiple mammalian species, which suggests that this missense change does not adversely affect protein function. This variant has not been reported in the literature in individuals affected with ADAMTS13-related conditions. The frequency data for this variant in the population databases is considered unreliable, as metrics indicate poor data quality at this position in the gnomAD database. This sequence change replaces arginine, which is basic and polar, with glutamine, which is neutral and polar, at codon 1285 of the ADAMTS13 protein (p.Arg1285Gln). In summary, the available evidence is currently insufficient to determine the role of this variant in disease. Therefore, it has been classified as a Variant of Uncertain Significance.